The following is an entry in ClinVar:

NM_001605.3(AARS1):c.2889C>G (p.Leu963=)

Gene: AARS1 (alanyl-tRNA synthetase 1; minus strand). Cytogenetic location: 16q22.1.
Variant type: single nucleotide variant.
Coding change: c.2889C>G on transcript NM_001605.3 (MANE Select); coding-DNA position 2889, C replaced by G.
Protein change: p.Leu963=; no amino-acid change (leucine 963 retained).
Molecular consequence: synonymous variant.
Genome position (GRCh38, 1-based): chr16:70,252,739, G>C on the plus strand (C>G on the coding strand, the complement: AARS1 is on the minus strand). VCF-style: chr16-70252739-G-C. GRCh37 (hg19) VCF-style: chr16-70286642-G-C.
Other names: c.2889C>G (NM_001605.2).
Identifiers: ClinVar variation 1682081 (VCV001682081.9), dbSNP rs75033663, ClinGen allele CA496199987.

ClinVar aggregate classification (germline): Likely benign. Review status: criteria provided, multiple submitters, no conflicts (2 of 4 stars). 2 submissions from 2 submitters: Likely benign (2). Last evaluated 2025-12-09.

Conditions:
AARS1-related disorder. Also called: AARS1-related condition.
Charcot-Marie-Tooth disease type 2. Also called: Charcot-Marie-Tooth type 2. Identifiers: Orphanet 64746, MedGen C0270914, MONDO:0018993.

Allele frequency attached by ClinVar (database versions not stated): TOPMed below 0.00001.
gnomAD v4.1: 2 of 1,614,132 alleles (0.00012%); highest among the groups gnomAD compares: African/African-American, 0.0013%; no homozygotes.

Submissions (2):

PreventionGenetics, part of Exact Sciences
Classification: Likely benign for AARS1-related condition. Last evaluated: 2025-12-09. Review status: criteria provided, single submitter. Criteria: ACMG Guidelines, 2015. Collection method: clinical testing. Allele origin: germline.
Comment: This variant is classified as likely benign based on ACMG/AMP sequence variant interpretation guidelines (Richards et al. 2015 PMID: 25741868, with internal and published modifications).

Labcorp Genetics (formerly Invitae), Labcorp
Classification: Likely benign for Charcot-Marie-Tooth disease type 2. Last evaluated: 2024-06-26. Review status: criteria provided, single submitter. Criteria: Invitae Variant Classification Sherloc (09022015). Collection method: clinical testing. Allele origin: germline.